The following is an entry in ClinVar:

NM_001457.4(FLNB):c.6503G>C (p.Ser2168Thr)

Gene: FLNB (filamin B; plus strand). Cytogenetic location: 3p14.3.
Variant type: single nucleotide variant.
Coding change: c.6503G>C on transcript NM_001457.4 (MANE Select); coding-DNA position 6503, G replaced by C.
Protein change: p.Ser2168Thr; replaces serine 2168 with threonine.
Molecular consequence: missense variant.
Genome position (GRCh38, 1-based): chr3:58,153,510, G>C. VCF-style: chr3-58153510-G-C. GRCh37 (hg19) VCF-style: chr3-58139237-G-C.
Other names: c.6596G>C, p.Ser2199Thr (NM_001164317.2); c.6470G>C, p.Ser2157Thr (NM_001164318.2); c.6431G>C, p.Ser2144Thr (NM_001164319.2); short protein forms S2144T, S2199T, S2157T, S2168T.
Identifiers: ClinVar variation 1442433 (VCV001442433.6), dbSNP rs775814555, ClinGen allele CA2469411.
Genomic context (GRCh38, chr3:58,153,510, plus strand): 5'-TGGGGAAGAACTCACACTGCGTCCGGTTTGTGCCCCAGGAGATGGGCGTGCACACGGTCA[G>C]CGTCAAGTACCGTGGGCAGCACGTCACCGGCAGCCCCTTCCAGTTCACCGTGGGGCCACT-3'
Protein context (NP_001448.2, residues 2158-2178): VPQEMGVHTV[Ser2168Thr]VKYRGQHVTG

ClinVar aggregate classification (germline): Uncertain significance (1 of 4 stars; one submission).

Allele frequency attached by ClinVar (database versions not stated): gnomAD exomes below 0.00001 and 0.00001; ExAC 0.00001; TOPMed 0.00006; gnomAD 0.00009 and 0.00010.
gnomAD v4.1: 20 of 1,614,228 alleles (0.0012%); highest among the groups gnomAD compares: African/African-American, 0.025%; no homozygotes.

Submission:

Labcorp Genetics (formerly Invitae), Labcorp
Classification: Uncertain significance. Last evaluated: 2021-11-13. Review status: criteria provided, single submitter. Criteria: Invitae Variant Classification Sherloc (09022015). Collection method: clinical testing. Allele origin: germline.
Comment: In summary, the available evidence is currently insufficient to determine the role of this variant in disease. Therefore, it has been classified as a Variant of Uncertain Significance. Advanced modeling of protein sequence and biophysical properties (such as structural, functional, and spatial information, amino acid conservation, physicochemical variation, residue mobility, and thermodynamic stability) performed at Invitae indicates that this missense variant is not expected to disrupt FLNB protein function. This variant has not been reported in the literature in individuals affected with FLNB-related conditions. This variant is present in population databases (rs775814555, gnomAD 0.02%). This sequence change replaces serine, which is neutral and polar, with threonine, which is neutral and polar, at codon 2168 of the FLNB protein (p.Ser2168Thr).